The following is an entry in ClinVar:

ClinVar aggregate classification (germline): Uncertain significance (1 of 4 stars; one submission).

Conditions:
Inborn genetic diseases. Identifiers: MedGen C0950123, MeSH D030342.

gnomAD v4.1: 7 of 1,614,092 alleles (0.00043%); highest among the groups gnomAD compares: Non-Finnish European, 0.00059%; no homozygotes.

Submission:

Ambry Genetics
Classification: Uncertain significance for Inborn genetic diseases. Last evaluated: 2026-09-05. Review status: criteria provided, single submitter. Criteria: Ambry Variant Classification Scheme 2023. Collection method: clinical testing. Allele origin: germline.
Comment: The p.D123Y variant (also known as c.367G>T), located in coding exon 4 of the RUNX1 gene, results from a G to T substitution at nucleotide position 367. The aspartic acid at codon 123 is replaced by tyrosine, an amino acid with highly dissimilar properties. This amino acid position is conserved. In addition, this alteration is predicted to be deleterious by in silico analysis. Based on the available evidence, the clinical significance of this variant remains unclear.

NM_001754.5(RUNX1):c.367G>T (p.Asp123Tyr)

Genes: RUNX1 (RUNX family transcription factor 1; minus strand), RUNX1-AS1 (RUNX1 antisense RNA 1; plus strand). Cytogenetic location: 21q22.12.
Variant type: single nucleotide variant.
Coding change: c.367G>T on transcript NM_001754.5 (MANE Select); coding-DNA position 367, G replaced by T.
Protein change: p.Asp123Tyr; replaces aspartic acid 123 with tyrosine.
Molecular consequence: missense variant.
Genome position (GRCh38, 1-based): chr21:34,880,698, C>A on the plus strand (G>T on the coding strand, the complement: RUNX1 is on the minus strand). VCF-style: chr21-34880698-C-A. GRCh37 (hg19) VCF-style: chr21-36252995-C-A.
Other names: c.286G>T, p.Asp96Tyr (NM_001001890.3, NM_001122607.2); short protein forms D96Y, D123Y.
Identifiers: ClinVar variation 3948898 (VCV003948898.2).